The following is an entry in ClinVar:

ClinVar aggregate classification (germline): Likely benign. Review status: criteria provided, single submitter (1 of 4 stars). 2 submissions from 2 submitters: Likely benign (1). 1 of the submissions does not count toward it. Last evaluated 2024-06-14.

Conditions:
ALG9 congenital disorder of glycosylation (CDG1L). Also called: ALG9-CDG; CDG Il; CONGENITAL DISORDER OF GLYCOSYLATION, TYPE Il. Identifiers: Orphanet 79328, MedGen C2931006, MONDO:0012117, OMIM 608776.
ATP6V0A2-related disorder. Also called: ATP6V0A2-related condition.

Allele frequency attached by ClinVar (database versions not stated): gnomAD exomes below 0.00001; gnomAD 0.00001; TOPMed 0.00001.
gnomAD v4.1: 4 of 1,613,598 alleles (0.00025%); highest among the groups gnomAD compares: Non-Finnish European, 0.00034%; no homozygotes.

Submissions (2):

Labcorp Genetics (formerly Invitae), Labcorp
Classification: Likely benign for ALG9 congenital disorder of glycosylation. Last evaluated: 2024-06-14. Review status: criteria provided, single submitter. Criteria: Invitae Variant Classification Sherloc (09022015). Collection method: clinical testing. Allele origin: germline.

PreventionGenetics, part of Exact Sciences
Classification: Likely benign for ATP6V0A2-related condition. Last evaluated: 2019-09-19. Review status: no assertion criteria provided. Collection method: clinical testing. Allele origin: germline. Not counted in ClinVar's aggregate classification.
Comment: This variant is classified as likely benign based on ACMG/AMP sequence variant interpretation guidelines (Richards et al. 2015 PMID: 25741868, with internal and published modifications).

NM_012463.4(ATP6V0A2):c.1362C>T (p.Leu454=)

Gene: ATP6V0A2 (ATPase H+ transporting V0 subunit a2; plus strand). Cytogenetic location: 12q24.31.
Variant type: single nucleotide variant.
Coding change: c.1362C>T on transcript NM_012463.4 (MANE Select); coding-DNA position 1362, C replaced by T.
Protein change: p.Leu454=; no amino-acid change (leucine 454 retained).
Molecular consequence: synonymous variant.
Genome position (GRCh38, 1-based): chr12:123,744,632, C>T. VCF-style: chr12-123744632-C-T. GRCh37 (hg19) VCF-style: chr12-124229179-C-T.
Other names: c.1362C>T (NM_012463.3).
Identifiers: ClinVar variation 2902306 (VCV002902306.5), dbSNP rs1442099245, ClinGen allele CA482452234.
Genomic context (GRCh38, chr12:123,744,632, plus strand): 5'-TCTGCCCCCGCCTTGCCCTTCACAGATCATGAGGATGTTTTTTAATGGCCGGTACATCCT[C>T]CTGCTGATGGGGCTGTTCTCAGTGTACACTGGCCTCATCTACAACGACTGCTTTTCAAAG-3'
Protein context (NP_036595.2, residues 444-464): MRMFFNGRYI[Leu454=]LLMGLFSVYT